The following is an entry in ClinVar:

NM_000051.4(ATM):c.5197G>A (p.Ala1733Thr)

Gene: ATM (ATM serine/threonine kinase; plus strand). Cytogenetic location: 11q22.3.
Variant type: single nucleotide variant.
Coding change: c.5197G>A on transcript NM_000051.4 (MANE Select); coding-DNA position 5197, G replaced by A.
Protein change: p.Ala1733Thr; replaces alanine 1733 with threonine.
Molecular consequence: missense variant.
Genome position (GRCh38, 1-based): chr11:108,301,667, G>A. VCF-style: chr11-108301667-G-A. GRCh37 (hg19) VCF-style: chr11-108172394-G-A.
Other names: c.5197G>A, p.Ala1733Thr (NM_001351834.2); short protein forms A1733T.
Identifiers: ClinVar variation 825531 (VCV000825531.22), dbSNP rs1591708460, ClinGen allele CA382542172.
Genomic context (GRCh38, chr11:108,301,667, plus strand): 5'-TAACTGGTGTACTTGATAGGCATTTGAATTGTTTTTTTCAGTGTCAAAGTTCGATCAGCA[G>A]CTGTTACCTGTTTGAAAAACATTTTAGCCACAAAGACTGGACATAGTTTCTGGGAGATTT-3'
Protein context (NP_000042.3, residues 1723-1743): VEDCVKVRSA[Ala1733Thr]VTCLKNILAT

ClinVar aggregate classification (germline): Uncertain significance. Review status: criteria provided, multiple submitters, no conflicts (2 of 4 stars). 6 submissions from 6 submitters: Uncertain significance (5). 1 of the submissions does not count toward it. Last evaluated 2025-11-13.

Conditions:
Hereditary cancer-predisposing syndrome. Also called: Neoplastic Syndromes, Hereditary; Tumor predisposition; Hereditary Cancer Syndrome; Hereditary neoplastic syndrome. Identifiers: Orphanet 140162, MedGen C0027672, MeSH D009386, MONDO:0015356.
Familial cancer of breast. Also called: BREAST CANCER, FAMILIAL; hereditary breast carcinoma; Hereditary breast cancer. Identifiers: Orphanet 227535, MedGen C0346153, MONDO:0016419, OMIM 114480. Disease mechanism: loss of function.
Ataxia-telangiectasia syndrome (AT). Also called: LOUIS-BAR SYNDROME; Ataxia telangiectasia (A-T); ATAXIA-TELANGIECTASIA, COMPLEMENTATION GROUP A; ATAXIA-TELANGIECTASIA, FRESNO VARIANT; Ataxia-telangiectasia; Ataxia-telangiectasia, complementation group D. Identifiers: Orphanet 100, MedGen C0004135, MONDO:0008840, OMIM 208900.

Allele frequency attached by ClinVar (database versions not stated): TOPMed below 0.00001; gnomAD exomes 0.00001.
gnomAD v4.1: 9 of 1,613,624 alleles (0.00056%); highest among the groups gnomAD compares: Non-Finnish European, 0.00076%; no homozygotes.

Submissions (6):

Labcorp Genetics (formerly Invitae), Labcorp
Classification: Uncertain significance for Ataxia-telangiectasia syndrome. Last evaluated: 2025-11-13. Review status: criteria provided, single submitter. Criteria: Invitae Variant Classification Sherloc (09022015). Collection method: clinical testing. Allele origin: germline.
Comment: This sequence change replaces alanine, which is neutral and non-polar, with threonine, which is neutral and polar, at codon 1733 of the ATM protein (p.Ala1733Thr). This variant is not present in population databases (gnomAD no frequency). This variant has not been reported in the literature in individuals affected with ATM-related conditions. ClinVar contains an entry for this variant (Variation ID: 825531). Invitae Evidence Modeling of protein sequence and biophysical properties (such as structural, functional, and spatial information, amino acid conservation, physicochemical variation, residue mobility, and thermodynamic stability) indicates that this missense variant is not expected to disrupt ATM protein function with a negative predictive value of 95%. In summary, the available evidence is currently insufficient to determine the role of this variant in disease. Therefore, it has been classified as a Variant of Uncertain Significance.

Color Diagnostics, LLC DBA Color Health
Classification: Uncertain significance for Hereditary cancer-predisposing syndrome. Last evaluated: 2024-10-15. Review status: criteria provided, single submitter. Criteria: ACMG Guidelines, 2015. Collection method: clinical testing. Allele origin: germline.
Comment: This missense variant replaces alanine with threonine at codon 1733 of the ATM protein. Computational prediction is inconclusive regarding the impact of this variant on protein structure and function. To our knowledge, functional studies have not been reported for this variant. This variant has not been reported in individuals affected with ATM-related disorders in the literature. This variant has not been identified in the general population by the Genome Aggregation Database (gnomAD). The available evidence is insufficient to determine the role of this variant in disease conclusively. Therefore, this variant is classified as a Variant of Uncertain Significance.

Blueprint Genetics
Classification: Uncertain significance. Last evaluated: 2024-07-15. Review status: criteria provided, single submitter. Criteria: ACMG Guidelines, 2015. Collection method: clinical testing. Allele origin: germline.

Ambry Genetics
Classification: Uncertain significance for Hereditary cancer-predisposing syndrome. Last evaluated: 2024-01-11. Review status: criteria provided, single submitter. Criteria: Ambry Variant Classification Scheme 2023. Collection method: clinical testing. Allele origin: germline.
Comment: The p.A1733T variant (also known as c.5197G>A), located in coding exon 34 of the ATM gene, results from a G to A substitution at nucleotide position 5197. The alanine at codon 1733 is replaced by threonine, an amino acid with similar properties. This amino acid position is highly conserved in available vertebrate species. In addition, the in silico prediction for this alteration is inconclusive. Since supporting evidence is limited at this time, the clinical significance of this alteration remains unclear.

Baylor Genetics
Classification: Uncertain significance for Familial cancer of breast. Last evaluated: 2023-06-20. Review status: criteria provided, single submitter. Criteria: ACMG Guidelines, 2015. Collection method: clinical testing. Allele origin: unknown.

Natera, Inc.
Classification: Uncertain significance for Ataxia-telangiectasia. Last evaluated: 2021-08-25. Review status: no assertion criteria provided. Collection method: clinical testing. Allele origin: germline. Not counted in ClinVar's aggregate classification.